The following is an entry in ClinVar:

ClinVar aggregate classification (germline): Uncertain significance. Review status: criteria provided, multiple submitters, no conflicts (2 of 4 stars). 2 submissions from 2 submitters: Uncertain significance (2). Last evaluated 2026-04-17.

Conditions:
GTP cyclohydrolase I deficiency. Identifiers: MedGen C0268467, MONDO:0100184.
Dystonia 5 (DRD). Also called: DYSTONIA, PROGRESSIVE, WITH DIURNAL VARIATION; DYSTONIA-PARKINSONISM WITH DIURNAL FLUCTUATION; GTP Cyclohydrolase 1-Deficient Dopa-Responsive Dystonia; Dystonia, DOPA-responsive, with or without hyperphenylalaninemia; DYT-GCH1. Identifiers: Orphanet 98808, MedGen C1851920, MONDO:0007495, OMIM 128230.

Submissions (2):

GeneDx
Classification: Uncertain significance. Last evaluated: 2026-04-17. Review status: criteria provided, single submitter. Criteria: GeneDx Variant Classification Process June 2021. Collection method: clinical testing. Allele origin: germline.
Comment: Not observed at significant frequency in large population cohorts (gnomAD); In silico analysis supports that this missense variant has a deleterious effect on protein structure/function; Has not been previously published as pathogenic or benign to our knowledge

Labcorp Genetics (formerly Invitae), Labcorp
Classification: Uncertain significance for GTP cyclohydrolase I deficiency; Dystonia 5. Last evaluated: 2024-07-11. Review status: criteria provided, single submitter. Criteria: Invitae Variant Classification Sherloc (09022015). Collection method: clinical testing. Allele origin: germline.
Comment: This sequence change replaces arginine, which is basic and polar, with lysine, which is basic and polar, at codon 178 of the GCH1 protein (p.Arg178Lys). This variant is not present in population databases (gnomAD no frequency). This variant has not been reported in the literature in individuals affected with GCH1-related conditions. Advanced modeling of protein sequence and biophysical properties (such as structural, functional, and spatial information, amino acid conservation, physicochemical variation, residue mobility, and thermodynamic stability) performed at Invitae indicates that this missense variant is expected to disrupt GCH1 protein function with a positive predictive value of 80%. This variant disrupts the p.Arg178 amino acid residue in GCH1. Other variant(s) that disrupt this residue have been determined to be pathogenic (PMID: 15753436; Invitae). This suggests that this residue is clinically significant, and that variants that disrupt this residue are likely to be disease-causing. In summary, the available evidence is currently insufficient to determine the role of this variant in disease. Therefore, it has been classified as a Variant of Uncertain Significance.

Literature cited by the submitters: PubMed 15753436 (cited by Labcorp Genetics (formerly Invitae), Labcorp).

NM_000161.3(GCH1):c.533G>A (p.Arg178Lys)

Gene: GCH1 (GTP cyclohydrolase 1; minus strand). Cytogenetic location: 14q22.2.
Variant type: single nucleotide variant.
Coding change: c.533G>A on transcript NM_000161.3 (MANE Select); coding-DNA position 533, G replaced by A.
Protein change: p.Arg178Lys; replaces arginine 178 with lysine.
Molecular consequence: missense variant. On other transcripts: intron variant (1).
Genome position (GRCh38, 1-based): chr14:54,847,107, C>T on the plus strand (G>A on the coding strand, the complement: GCH1 is on the minus strand). VCF-style: chr14-54847107-C-T. GRCh37 (hg19) VCF-style: chr14-55313825-C-T.
Other names: c.533G>A, p.Arg178Lys (NM_001024024.2, NM_001024070.2, NM_001024071.2); c.239G>A, p.Arg80Lys (NM_001424105.1); c.510-4053G>A (NM_001424104.1); c.533G>A (NM_000161.2); short protein forms R178K, R80K.
Identifiers: ClinVar variation 3761282 (VCV003761282.3).